The following is an entry in ClinVar:

ClinVar aggregate classification (germline): Pathogenic. Review status: criteria provided, multiple submitters, no conflicts (2 of 4 stars). 2 submissions from 2 submitters: Pathogenic (2). Last evaluated 2023-10-03.

Conditions:
Hereditary cancer-predisposing syndrome. Also called: Hereditary Cancer Syndrome; Hereditary neoplastic syndrome; Neoplastic Syndromes, Hereditary; Tumor predisposition. Identifiers: Orphanet 140162, MedGen C0027672, MeSH D009386, MONDO:0015356.
Lynch syndrome 4 (LYNCH4). Also called: Colorectal cancer, hereditary nonpolyposis, type 4; Hereditary non-polyposis colorectal cancer, type 4. Identifiers: Orphanet 144, MedGen C1838333, MONDO:0013699, OMIM 614337. Disease mechanism: loss of function.

Submissions (2):

Ambry Genetics
Classification: Pathogenic for Hereditary cancer-predisposing syndrome. Last evaluated: 2023-10-03. Review status: criteria provided, single submitter. Criteria: Ambry Variant Classification Scheme 2023. Collection method: clinical testing. Allele origin: germline.
Comment: The c.598delG pathogenic mutation, located in coding exon 6 of the PMS2 gene, results from a deletion of one nucleotide at nucleotide position 598, causing a translational frameshift with a predicted alternate stop codon (p.V200*). This alteration is expected to result in loss of function by premature protein truncation or nonsense-mediated mRNA decay. As such, this alteration is interpreted as a disease-causing mutation.

Myriad Genetics, Inc.
Classification: Pathogenic for Lynch syndrome 4. Last evaluated: 2023-09-19. Review status: criteria provided, single submitter. Criteria: Myriad Autosomal Dominant, Autosomal Recessive and X-Linked Classification Criteria (2023). Collection method: clinical testing. Allele origin: unknown.
Comment: This variant is considered pathogenic. This variant creates a termination codon and is predicted to result in premature protein truncation.

NM_000535.7(PMS2):c.598del (p.Arg199_Val200insTer)

Gene: PMS2 (PMS1 homolog 2, mismatch repair system component; minus strand). Cytogenetic location: 7p22.1.
Variant type: Deletion.
Coding change: c.598del on transcript NM_000535.7 (MANE Select); coding-DNA position 598, one base deleted (G; older notation c.598delG).
Protein change: p.Arg199_Val200insTer.
Molecular consequence: nonsense. On other transcripts: frameshift variant (39), 5 prime UTR variant (2), non-coding transcript variant (1), intron variant (1).
Genome position (GRCh38, 1-based): chr7:5,999,215, C deleted on the plus strand (G on the coding strand, the reverse complement: PMS2 is on the minus strand). VCF-style (leftmost placement, unchanged base first): chr7-5999214-AC-A. GRCh37 (hg19) VCF-style: chr7-6038845-AC-A.
Other names: c.193delG, p.Val65Terfs (NM_001018040.1, NM_001406887.1, NM_001406888.1 and 15 more transcripts); c.193del, p.Arg64_Val65insTer (NM_001322003.2, NM_001322004.2, NM_001322005.2 and 2 more transcripts); c.598del, p.Arg199_Val200insTer (NM_001322006.2, NM_001322014.2); c.280del, p.Arg93_Val94insTer (NM_001322007.2, NM_001322008.2); c.-336del (NM_001322011.2, NM_001322012.2); c.289del, p.Arg96_Val97insTer (NM_001322015.2); c.784delG, p.Val262Terfs (NM_001406866.1); c.622delG, p.Val208Terfs (NM_001406868.1); and 5 more.
Identifiers: ClinVar variation 1750887 (VCV001750887.3), dbSNP rs2536319279, ClinGen allele CA2580076763.
Genomic context (GRCh38, chr7:5,999,214, plus strand): 5'-CTTCCACCTGTGCATACCACAGGCTGTCGTTTTCCTTGTCCAAGCTGATTGGTGCAACTT[AC>A]ACGGATGCCTGCTGAAATGATACAGTATGCATGTAAGACCTGGACCATTTTGGCATACTC-3'